The following is an entry in ClinVar:

ClinVar aggregate classification (germline): Pathogenic (1 of 4 stars; one submission).

Conditions:
Neurodevelopmental disorder with nonspecific brain abnormalities and with or without seizures. Identifiers: MedGen C5231470, MONDO:0032877, OMIM 618709.

Submission:

Institute of Human Genetics, University of Leipzig Medical Center
Classification: Pathogenic for Neurodevelopmental disorder with nonspecific brain abnormalities and with or without seizures. Last evaluated: 2024-07-15. Review status: criteria provided, single submitter. Criteria: ACMG Guidelines, 2015. Collection method: clinical testing. Allele origin: unknown. Inheritance: Autosomal dominant inheritance. Affected: yes.
Comment: Criteria applied: PVS1,PM2

NM_005618.4(DLL1):c.552C>G (p.Tyr184Ter)

Gene: DLL1 (delta like canonical Notch ligand 1; minus strand). Cytogenetic location: 6q27.
Variant type: single nucleotide variant.
Coding change: c.552C>G on transcript NM_005618.4 (MANE Select); coding-DNA position 552, C replaced by G.
Protein change: p.Tyr184Ter; replaces tyrosine 184 with a stop codon.
Molecular consequence: nonsense.
Genome position (GRCh38, 1-based): chr6:170,288,357, G>C on the plus strand (C>G on the coding strand, the complement: DLL1 is on the minus strand). VCF-style: chr6-170288357-G-C. GRCh37 (hg19) VCF-style: chr6-170597445-G-C.
Other names: short protein forms Y184*.
Identifiers: ClinVar variation 3359007 (VCV003359007.2).